The following is an entry in ClinVar:

NM_018076.5(ODAD2):c.2147T>G (p.Leu716Arg)

Gene: ODAD2 (outer dynein arm docking complex subunit 2; minus strand). Cytogenetic location: 10p12.1.
Variant type: single nucleotide variant.
Coding change: c.2147T>G on transcript NM_018076.5 (MANE Select); coding-DNA position 2147, T replaced by G.
Protein change: p.Leu716Arg; replaces leucine 716 with arginine.
Molecular consequence: missense variant.
Genome position (GRCh38, 1-based): chr10:27,936,831, A>C on the plus strand (T>G on the coding strand, the complement: ODAD2 is on the minus strand). VCF-style: chr10-27936831-A-C. GRCh37 (hg19) VCF-style: chr10-28225760-A-C.
Other names: c.2147T>G, p.Leu716Arg (NM_001290020.2); c.722T>G, p.Leu241Arg (NM_001290021.2); c.1223T>G, p.Leu408Arg (NM_001312689.2); short protein forms L716R, L241R, L408R.
Identifiers: ClinVar variation 2403427 (VCV002403427.3), dbSNP rs774069311, ClinGen allele CA5453289.
Genomic context (GRCh38, chr10:27,936,831, plus strand): 5'-GTGACAGCAGCTAACCGCTCTTTATTGTCAGTGTTATTGAGTAGACTGGCCAAGGGCTTA[A>C]GTCCTCCGTGCAGCCTAACGAGGTCCCGGGTTTCCTTATCTTCAGCACACTGCACGAAAA-3'
Protein context (NP_060546.2, residues 706-726): TRDLVRLHGG[Leu716Arg]KPLASLLNNT

ClinVar aggregate classification (germline): Conflicting classifications of pathogenicity. Review status: criteria provided, conflicting classifications (1 of 4 stars). 2 submissions from 2 submitters: Likely pathogenic (1); Uncertain significance (1). Last evaluated 2024-06-12.

Conditions:
Primary ciliary dyskinesia. Also called: Ciliary dyskinesia. Identifiers: Orphanet 244, MedGen C0008780, MONDO:0016575, HP:0012265.
Primary ciliary dyskinesia 23 (CILD23). Also called: CILIARY DYSKINESIA, PRIMARY, 23, WITH OR WITHOUT SITUS INVERSUS. Identifiers: Orphanet 244, MedGen C3809548, MONDO:0014193, OMIM 615451.

Allele frequency attached by ClinVar (database versions not stated): gnomAD exomes 0.00002; ExAC 0.00003; gnomAD 0.00003; TOPMed 0.00004.
gnomAD v4.1: 38 of 1,613,868 alleles (0.0024%); highest among the groups gnomAD compares: East Asian, 0.02%; 1 homozygote.

Submissions (2):

New York Genome Center
Classification: Likely pathogenic for Primary ciliary dyskinesia 23. Last evaluated: 2024-06-12. Review status: criteria provided, single submitter. Criteria: NYGC Assertion Criteria 2020. Collection method: clinical testing. Allele origin: inherited. Affected: yes. Observed: 1 variant allele, 1 compound heterozygote.
Comment: The c.2147 T>G variant in ODAD2 has previously been reported in the literature in compound heterozygous state in fetal samples with features of heterotaxy and cardiac anomalies [PMID: 35518361, 36478645] and it has been deposited in ClinVar [ClinVar ID: 2403427] as variant of uncertain significance by single submitter without affected status provided. The c.2147 T>G variant is observed in 38 alleles (~0.002% minor allele frequency with 1 homozygote) in population databases (gnomAD v4.1.0, TOPMed Freeze 10, All of Us), suggesting it is not a common benign variant in the populations represented in those databases. The c.2147 T>G variant in ODAD2 is located in exon 15 of this 20-exon gene and predicted to replace an evolutionarily conserved leucine amino acid with arginine at position 716(p.(Leu716Arg)) of the encoded protein. In silico predictions are in favor of damaging effect for the p. (Leu716Arg) variant [CADD v1.6 = 29.8, REVEL = 0.819]; however, there are no functional studies to support or refute these predictions. Based on available evidence this inherited c.2147 T>G, p.(Leu716Arg) variant identified in ODAD2 is classified as Likely Pathogenic.

Ambry Genetics
Classification: Uncertain significance for Primary ciliary dyskinesia. Last evaluated: 2022-01-10. Review status: criteria provided, single submitter. Criteria: Ambry Variant Classification Scheme 2023. Collection method: clinical testing. Allele origin: germline.

Literature cited by the submitters: PubMed 35518361 (cited by New York Genome Center); PubMed 36478645 (cited by New York Genome Center).